The following is an entry in ClinVar:

ClinVar aggregate classification (germline): Likely pathogenic (1 of 4 stars; one submission).

Conditions:
Dilated cardiomyopathy 1G (CMD1G). Identifiers: Orphanet 154, MedGen C1858763, MONDO:0011400, OMIM 604145.
Autosomal recessive limb-girdle muscular dystrophy type 2J (LGMDR10). Also called: Limb-girdle muscular dystrophy, type 2J; MUSCULAR DYSTROPHY, LIMB-GIRDLE, AUTOSOMAL RECESSIVE 10. Identifiers: Orphanet 140922, MedGen C1837342, MONDO:0012127, OMIM 608807.

Submission:

Labcorp Genetics (formerly Invitae), Labcorp
Classification: Likely pathogenic for Dilated cardiomyopathy 1G; Autosomal recessive limb-girdle muscular dystrophy type 2J. Last evaluated: 2023-05-30. Review status: criteria provided, single submitter. Criteria: Invitae Variant Classification Sherloc (09022015). Collection method: clinical testing. Allele origin: germline.
Comment: In summary, the currently available evidence indicates that the variant is pathogenic, but additional data are needed to prove that conclusively. Therefore, this variant has been classified as Likely Pathogenic. This variant is located in the A band of TTN (PMID: 25589632). Truncating variants in this region are significantly overrepresented in patients affected with dilated cardiomyopathy (PMID: 25589632). Truncating variants in this region have also been reported in individuals affected with autosomal recessive centronuclear myopathy (PMID: 23975875). This variant has not been reported in the literature in individuals affected with TTN-related conditions. This variant is not present in population databases (gnomAD no frequency). This sequence change creates a premature translational stop signal (p.Cys32678Profs*6) in the TTN gene. While this is not anticipated to result in nonsense mediated decay, it is expected to create a truncated TTN protein.

Literature cited by the submitters: PubMed 25589632; PubMed 23975875.

NM_001267550.2(TTN):c.98019_98031dup (p.Cys32678fs)

Genes: TTN-AS1 (TTN antisense RNA 1; plus strand), TTN (titin; minus strand). Cytogenetic location: 2q31.2.
Variant type: Duplication.
Coding change: c.98019_98031dup on transcript NM_001267550.2 (MANE Select); coding-DNA positions 98019 to 98031, 13 bases duplicated (CCGCGTCCTAGCT).
Protein change: p.Cys32678fs; shifts the reading frame from cysteine 32678.
Molecular consequence: frameshift variant. On other transcripts: non-coding transcript variant (1).
Genome position (GRCh38, 1-based): chr2:178,540,135-178,540,147, AGCTAGGACGCGG duplicated on the plus strand (CCGCGTCCTAGCT on the coding strand, the reverse complement: TTN is on the minus strand); duplicating any 13 consecutive bases within chr2:178,540,135-178,540,148 gives the same sequence; the c. name uses the placement nearest the transcript's 3' end. VCF-style (leftmost placement, unchanged base first): chr2-178540134-A-AAGCTAGGACGCGG. GRCh37 (hg19) VCF-style: chr2-179404861-A-AAGCTAGGACGCGG.
Other names: c.93096_93108dup, p.Cys31037fs (NM_001256850.1); c.70824_70836dup, p.Cys23613fs (NM_003319.4); c.90315_90327dup, p.Cys30110fs (NM_133378.4); c.71199_71211dup, p.Cys23738fs (NM_133432.3); c.71400_71412dup, p.Cys23805fs (NM_133437.4); short protein forms C23613fs, C23805fs, C30110fs, C23738fs, C31037fs, C32678fs.
Identifiers: ClinVar variation 2948368 (VCV002948368.3), dbSNP rs2468792746, ClinGen allele CA2740095959.